The following is an entry in ClinVar:

NM_139076.3(ABRAXAS1):c.847G>A (p.Ala283Thr)

Gene: ABRAXAS1 (abraxas 1, BRCA1 A complex subunit; minus strand). Cytogenetic location: 4q21.23.
Variant type: single nucleotide variant.
Coding change: c.847G>A on transcript NM_139076.3 (MANE Select); coding-DNA position 847, G replaced by A.
Protein change: p.Ala283Thr; replaces alanine 283 with threonine.
Molecular consequence: missense variant.
Genome position (GRCh38, 1-based): chr4:83,462,852, C>T on the plus strand (G>A on the coding strand, the complement: ABRAXAS1 is on the minus strand). VCF-style: chr4-83462852-C-T. GRCh37 (hg19) VCF-style: chr4-84384005-C-T.
Other names: c.520G>A, p.Ala174Thr (NM_001345962.2); short protein forms A283T, A174T.
Identifiers: ClinVar variation 2626396 (VCV002626396.2), dbSNP rs2110033323, ClinGen allele CA357256592.

ClinVar aggregate classification (germline): Uncertain significance (1 of 4 stars; one submission).

gnomAD v4.1: 5 of 1,604,028 alleles (0.00031%); highest among the groups gnomAD compares: Non-Finnish European, 0.00042%; no homozygotes.

Submission:

Ambry Genetics
Classification: Uncertain significance. Last evaluated: 2023-08-30. Review status: criteria provided, single submitter. Criteria: Ambry Variant Classification Scheme 2023. Collection method: clinical testing. Allele origin: germline.
Comment: The p.A283T variant (also known as c.847G>A), located in coding exon 9 of the FAM175A gene, results from a G to A substitution at nucleotide position 847. The alanine at codon 283 is replaced by threonine, an amino acid with similar properties. This amino acid position is conserved. In addition, the in silico prediction for this alteration is inconclusive. Since supporting evidence is limited at this time, the clinical significance of this alteration remains unclear.